The following is an entry in ClinVar:

NM_003073.5(SMARCB1):c.332C>T (p.Ser111Phe)

Gene: SMARCB1 (SWI/SNF related BAF chromatin remodeling complex subunit B1; plus strand). Cytogenetic location: 22q11.23.
Variant type: single nucleotide variant.
Coding change: c.332C>T on transcript NM_003073.5 (MANE Select); coding-DNA position 332, C replaced by T.
Protein change: p.Ser111Phe; replaces serine 111 with phenylalanine.
Molecular consequence: missense variant.
Genome position (GRCh38, 1-based): chr22:23,793,658, C>T. VCF-style: chr22-23793658-C-T. GRCh37 (hg19) VCF-style: chr22-24135845-C-T.
Other names: c.305C>T, p.Ser102Phe (NM_001007468.3, NM_001317946.2); c.332C>T, p.Ser111Phe (NM_001362877.2); short protein forms S102F, S111F.
Identifiers: ClinVar variation 3683784 (VCV003683784.2).
Genomic context (GRCh38, chr22:23,793,658, plus strand): 5'-TAAAAGCCTCGGAAGTGGAAGAGATTCTGGATGGCAACGATGAGAAGTACAAGGCTGTGT[C>T]CATCAGCACAGAGCCCCCCACCTACCTCAGGTAATGCGTTCCTGGCCAGGGCATCTCTGG-3'
Protein context (NP_003064.2, residues 101-121): DGNDEKYKAV[Ser111Phe]ISTEPPTYLR

ClinVar aggregate classification (germline): Uncertain significance (1 of 4 stars; one submission).

gnomAD v4.1: 1 of 1,614,094 alleles (0.000062%); highest among the groups gnomAD compares: East Asian, 0.0022%; no homozygotes.

Submission:

Labcorp Genetics (formerly Invitae), Labcorp
Classification: Uncertain significance. Last evaluated: 2025-01-20. Review status: criteria provided, single submitter. Criteria: Invitae Variant Classification Sherloc (09022015). Collection method: clinical testing. Allele origin: germline.
Comment: This sequence change replaces serine, which is neutral and polar, with phenylalanine, which is neutral and non-polar, at codon 111 of the SMARCB1 protein (p.Ser111Phe). This variant is not present in population databases (gnomAD no frequency). This variant has not been reported in the literature in individuals affected with SMARCB1-related conditions. Invitae Evidence Modeling of protein sequence and biophysical properties (such as structural, functional, and spatial information, amino acid conservation, physicochemical variation, residue mobility, and thermodynamic stability) indicates that this missense variant is not expected to disrupt SMARCB1 protein function with a negative predictive value of 80%. In summary, the available evidence is currently insufficient to determine the role of this variant in disease. Therefore, it has been classified as a Variant of Uncertain Significance.